The following is an entry in ClinVar:

NM_006908.5(RAC1):c.348A>C (p.Lys116Asn)

Gene: RAC1 (Rac family small GTPase 1; plus strand). Cytogenetic location: 7p22.1.
Variant type: single nucleotide variant.
Coding change: c.348A>C on transcript NM_006908.5 (MANE Select); coding-DNA position 348, A replaced by C.
Protein change: p.Lys116Asn; replaces lysine 116 with asparagine.
Molecular consequence: missense variant.
Genome position (GRCh38, 1-based): chr7:6,401,927, A>C. VCF-style: chr7-6401927-A-C. GRCh37 (hg19) VCF-style: chr7-6441558-A-C.
Other names: c.405A>C, p.Lys135Asn (NM_018890.4); short protein forms K116N, K135N.
Identifiers: ClinVar variation 4539929 (VCV004539929.1).

ClinVar aggregate classification (germline): Likely pathogenic (1 of 4 stars; one submission).

Submission:

GeneDx
Classification: Likely pathogenic. Last evaluated: 2025-06-27. Review status: criteria provided, single submitter. Criteria: GeneDx Variant Classification Process June 2021. Collection method: clinical testing. Allele origin: germline. Affected: yes.
Comment: Not observed at significant frequency in large population cohorts (gnomAD); In silico analysis supports that this missense variant has a deleterious effect on protein structure/function; Has not been previously published as pathogenic or benign to our knowledge